The following is an entry in ClinVar:

ClinVar aggregate classification (germline): Likely benign (1 of 4 stars; one submission).

Submission:

CeGaT Center for Human Genetics Tuebingen
Classification: Likely benign. Last evaluated: 2022-11-01. Review status: criteria provided, single submitter. Criteria: CeGaT Center For Human Genetics Tuebingen Variant Classification Criteria Version 2. Collection method: clinical testing. Allele origin: germline. Affected: yes. Observed: 1 variant allele.
Comment: EGLN1: PM2:Supporting, BP4, BP7

NM_022051.3(EGLN1):c.360A>C (p.Pro120=)

Gene: EGLN1 (egl-9 family hypoxia inducible factor 1; minus strand). Cytogenetic location: 1q42.2.
Variant type: single nucleotide variant.
Coding change: c.360A>C on transcript NM_022051.3 (MANE Select); coding-DNA position 360, A replaced by C.
Protein change: p.Pro120=; no amino-acid change (proline 120 retained).
Molecular consequence: synonymous variant.
Genome position (GRCh38, 1-based): chr1:231,421,529, T>G on the plus strand (A>C on the coding strand, the complement: EGLN1 is on the minus strand). VCF-style: chr1-231421529-T-G. GRCh37 (hg19) VCF-style: chr1-231557275-T-G.
Other names: c.360A>C, p.Pro120= (NM_001377260.1, NM_001377261.1).
Identifiers: ClinVar variation 2640081 (VCV002640081.24), dbSNP rs2527360483, ClinGen allele CA424040950.